The following is an entry in ClinVar:

ClinVar aggregate classification (germline): Conflicting classifications of pathogenicity. Review status: criteria provided, conflicting classifications (1 of 4 stars). 6 submissions from 5 submitters: Uncertain significance (2); Likely benign (2). 2 of the submissions do not count toward it. Last evaluated 2026-01-25.

Conditions:
GNPTAB-Related Disorders. Also called: GNPTAB-related disorder; GNPTAB-related condition. Identifiers: MedGen CN381523.
Mucolipidosis type II. Also called: ML II ALPHA/BETA; Mucolipidosis 2; ML 2; Inclusion cell disease; Leroy Disease; N-acetylglucosamine 1phosphotransferase deficiency. Identifiers: Orphanet 576, MedGen C2673377, MONDO:0009650, OMIM 252500.
Pseudo-Hurler polydystrophy. Also called: ML III; ML III ALPHA/BETA; MUCOLIPIDOSIS IIIA; ML IIIA; Mucolipidosis III Alpha/Beta; Type III Mucolipidosis. Identifiers: Orphanet 423461, Orphanet 577, MedGen C0033788, MONDO:0018931, OMIM 252600.

Allele frequency attached by ClinVar (database versions not stated): 1000 Genomes Project 30x 0.00016; 1000 Genomes Project 0.00020; gnomAD 0.00027 and 0.00042; ESP Exome Variant Server 0.00031; gnomAD exomes 0.00036 and 0.00047; ExAC 0.00038; TOPMed 0.00049.
gnomAD v4.1: 738 of 1,614,022 alleles (0.046%); highest among the groups gnomAD compares: Non-Finnish European, 0.057%; no homozygotes.

Submissions (6):

Labcorp Genetics (formerly Invitae), Labcorp
Classification: Likely benign for Pseudo-Hurler polydystrophy; Mucolipidosis type II. Last evaluated: 2026-01-25. Review status: criteria provided, single submitter. Criteria: Invitae Variant Classification Sherloc (09022015). Collection method: clinical testing. Allele origin: germline.

CeGaT Center for Human Genetics Tuebingen
Classification: Likely benign. Last evaluated: 2024-12-01. Review status: criteria provided, single submitter. Criteria: CeGaT Center For Human Genetics Tuebingen Variant Classification Criteria Version 2. Collection method: clinical testing. Allele origin: germline. Affected: yes. Observed: 1 variant allele.
Comment: GNPTAB: BP4, BP7

Illumina Laboratory Services, Illumina
Classification: Uncertain significance for Mucolipidosis type II. Last evaluated: 2018-01-13. Review status: criteria provided, single submitter. Criteria: ICSL Variant Classification Criteria 13 December 2019. Collection method: clinical testing. Allele origin: germline.

Illumina Laboratory Services, Illumina
Classification: Uncertain significance for Pseudo-Hurler polydystrophy. Last evaluated: 2018-01-13. Review status: criteria provided, single submitter. Criteria: ICSL Variant Classification Criteria 13 December 2019. Collection method: clinical testing. Allele origin: germline.

Natera, Inc.
Classification: Likely benign for Mucolipidosis type II. Last evaluated: 2020-09-16. Review status: no assertion criteria provided. Collection method: clinical testing. Allele origin: germline. Not counted in ClinVar's aggregate classification.

PreventionGenetics, part of Exact Sciences
Classification: Likely benign for GNPTAB-related condition. Last evaluated: 2019-07-09. Review status: no assertion criteria provided. Collection method: clinical testing. Allele origin: germline. Not counted in ClinVar's aggregate classification.
Comment: This variant is classified as likely benign based on ACMG/AMP sequence variant interpretation guidelines (Richards et al. 2015 PMID: 25741868, with internal and published modifications).

NM_024312.5(GNPTAB):c.2625G>A (p.Val875=)

Gene: GNPTAB (N-acetylglucosamine-1-phosphate transferase subunits alpha and beta; minus strand). Cytogenetic location: 12q23.2.
Variant type: single nucleotide variant.
Coding change: c.2625G>A on transcript NM_024312.5 (MANE Select); coding-DNA position 2625, G replaced by A.
Protein change: p.Val875=; no amino-acid change (valine 875 retained).
Molecular consequence: synonymous variant.
Genome position (GRCh38, 1-based): chr12:101,764,292, C>T on the plus strand (G>A on the coding strand, the complement: GNPTAB is on the minus strand). VCF-style: chr12-101764292-C-T. GRCh37 (hg19) VCF-style: chr12-102158070-C-T.
Identifiers: ClinVar variation 306804 (VCV000306804.31), dbSNP rs141529327, ClinGen allele CA6746399.